The following is an entry in ClinVar:

ClinVar aggregate classification (germline): Uncertain significance (1 of 4 stars; one submission).

Conditions:
Arrhythmogenic cardiomyopathy with wooly hair and keratoderma. Also called: PALMOPLANTAR KERATODERMA WITH LEFT VENTRICULAR CARDIOMYOPATHY AND WOOLLY HAIR; Dilated cardiomyopathy with woolly hair and keratoderma; Arrhythmogenic cardiomyopathy with woolly hair and keratoderma; Carvajal syndrome. Identifiers: Orphanet 65282, MedGen C1854063, MONDO:0011581, OMIM 605676.
Arrhythmogenic right ventricular dysplasia 8 (ARVD8). Also called: Arrhythmogenic Right Ventricular Dysplasia/Cardiomyopathy 8; ARRHYTHMOGENIC RIGHT VENTRICULAR CARDIOMYOPATHY 8; ARRHYTHMOGENIC RIGHT VENTRICULAR DYSPLASIA, FAMILIAL, 8. Identifiers: MedGen C1843896, MONDO:0011831, OMIM 607450.

Submission:

Labcorp Genetics (formerly Invitae), Labcorp
Classification: Uncertain significance for Arrhythmogenic cardiomyopathy with wooly hair and keratoderma; Arrhythmogenic right ventricular dysplasia 8. Last evaluated: 2022-06-21. Review status: criteria provided, single submitter. Criteria: Invitae Variant Classification Sherloc (09022015). Collection method: clinical testing. Allele origin: germline.
Comment: In summary, the available evidence is currently insufficient to determine the role of this variant in disease. Therefore, it has been classified as a Variant of Uncertain Significance. Algorithms developed to predict the effect of missense changes on protein structure and function (SIFT, PolyPhen-2, Align-GVGD) all suggest that this variant is likely to be tolerated. This variant has not been reported in the literature in individuals affected with DSP-related conditions. This variant is not present in population databases (gnomAD no frequency). This sequence change replaces alanine, which is neutral and non-polar, with aspartic acid, which is acidic and polar, at codon 1609 of the DSP protein (p.Ala1609Asp).

NM_004415.4(DSP):c.4826C>A (p.Ala1609Asp)

Gene: DSP (desmoplakin; plus strand). Cytogenetic location: 6p24.3.
Variant type: single nucleotide variant.
Coding change: c.4826C>A on transcript NM_004415.4 (MANE Select); coding-DNA position 4826, C replaced by A.
Protein change: p.Ala1609Asp; replaces alanine 1609 with aspartic acid.
Molecular consequence: missense variant. On other transcripts: intron variant (2).
Genome position (GRCh38, 1-based): chr6:7,581,016, C>A. VCF-style: chr6-7581016-C-A. GRCh37 (hg19) VCF-style: chr6-7581249-C-A.
Other names: c.4050+776C>A (NM_001319034.2); c.3582+1244C>A (NM_001008844.3); short protein forms A1609D.
Identifiers: ClinVar variation 2428154 (VCV002428154.9), dbSNP rs1383577532, ClinGen allele CA362687242.